The following is an entry in ClinVar:

ClinVar aggregate classification (germline): Uncertain significance. Review status: criteria provided, multiple submitters, no conflicts (2 of 4 stars). 2 submissions from 2 submitters: Uncertain significance (2). Last evaluated 2026-01-30.

gnomAD v4.1: 3 of 1,582,962 alleles (0.00019%); highest among the groups gnomAD compares: Admixed American, 0.0036%; no homozygotes.

Submissions (2):

Dasa
Classification: Uncertain significance. Last evaluated: 2026-01-30. Review status: criteria provided, single submitter. Criteria: DASA Assertion Criteria. Collection method: clinical testing. Allele origin: germline.
Comment: NM_001273.5(CHD4):c.4147+5G>C is a splice-region variant. This variant is rare in population databases. Computational prediction algorithms are consistent with a deleterious effect. The currently available literature and clinical evidence are not sufficient to establish a definitive association between this variant and the reported condition. Therefore, this variant is classified as a variant of uncertain significance.

Labcorp Genetics (formerly Invitae), Labcorp
Classification: Uncertain significance. Last evaluated: 2022-01-21. Review status: criteria provided, single submitter. Criteria: Invitae Variant Classification Sherloc (09022015). Collection method: clinical testing. Allele origin: germline.
Comment: This sequence change falls in intron 27 of the CHD4 gene. It does not directly change the encoded amino acid sequence of the CHD4 protein. It affects a nucleotide within the consensus splice site. This variant is not present in population databases (gnomAD no frequency). This variant has not been reported in the literature in individuals affected with CHD4-related conditions. Variants that disrupt the consensus splice site are a relatively common cause of aberrant splicing (PMID: 17576681, 9536098). Algorithms developed to predict the effect of sequence changes on RNA splicing suggest that this variant may disrupt the consensus splice site. In summary, the available evidence is currently insufficient to determine the role of this variant in disease. Therefore, it has been classified as a Variant of Uncertain Significance.

Literature cited by the submitters: PubMed 17576681 (cited by Labcorp Genetics (formerly Invitae), Labcorp); PubMed 9536098 (cited by Labcorp Genetics (formerly Invitae), Labcorp).

NM_001273.5(CHD4):c.4147+5G>C

Genes: CHD4 (chromodomain helicase DNA binding protein 4; minus strand), CHD4-AS1 (CHD4 antisense RNA 1; plus strand). Cytogenetic location: 12p13.31.
Variant type: single nucleotide variant.
Coding change: c.4147+5G>C on transcript NM_001273.5 (MANE Select); 5 bases into the intron after coding-DNA position 4147, G replaced by C.
Molecular consequence: intron variant.
Genome position (GRCh38, 1-based): chr12:6,583,022, C>G on the plus strand (G>C on the coding strand, the complement: CHD4 is on the minus strand). VCF-style: chr12-6583022-C-G. GRCh37 (hg19) VCF-style: chr12-6692188-C-G.
Other names: c.4108+5G>C (NM_001363606.2); c.4126+5G>C (NM_001297553.2).
Identifiers: ClinVar variation 1946163 (VCV001946163.7), dbSNP rs2540382990, ClinGen allele CA478510260.